The following is an entry in ClinVar:

NM_015895.5(GMNN):c.178T>C (p.Ser60Pro)

Gene: GMNN (geminin DNA replication inhibitor; plus strand). Cytogenetic location: 6p22.3.
Variant type: single nucleotide variant.
Coding change: c.178T>C on transcript NM_015895.5 (MANE Select); coding-DNA position 178, T replaced by C.
Protein change: p.Ser60Pro; replaces serine 60 with proline.
Molecular consequence: missense variant.
Genome position (GRCh38, 1-based): chr6:24,781,525, T>C. VCF-style: chr6-24781525-T-C. GRCh37 (hg19) VCF-style: chr6-24781753-T-C.
Other names: c.178T>C, p.Ser60Pro (NM_001251989.2, NM_001251990.2, NM_001251991.1); short protein forms S60P.
Identifiers: ClinVar variation 790027 (VCV000790027.13), dbSNP rs2307302, ClinGen allele CA3658848.

ClinVar aggregate classification (germline): Likely benign. Review status: criteria provided, multiple submitters, no conflicts (2 of 4 stars). 3 submissions from 3 submitters: Likely benign (2). 1 of the submissions does not count toward it. Last evaluated 2025-12-19.

Conditions:
GMNN-related disorder. Also called: GMNN-related condition.

Allele frequency attached by ClinVar (database versions not stated): gnomAD exomes 0.00022 and 0.00063; 1000 Genomes Project 0.00240; gnomAD 0.00295 and 0.00322; ESP Exome Variant Server 0.00308; ExAC 0.00085; 1000 Genomes Project 30x 0.00234; TOPMed 0.00324.
gnomAD v4.1: 775 of 1,592,656 alleles (0.049%); highest among the groups gnomAD compares: African/African-American, 0.94%; 4 homozygotes.

Submissions (3):

Labcorp Genetics (formerly Invitae), Labcorp
Classification: Likely benign. Last evaluated: 2025-12-19. Review status: criteria provided, single submitter. Criteria: Invitae Variant Classification Sherloc (09022015). Collection method: clinical testing. Allele origin: germline.

Blueprint Genetics
Classification: Likely benign. Last evaluated: 2024-06-19. Review status: criteria provided, single submitter. Criteria: ACMG Guidelines, 2015. Collection method: clinical testing. Allele origin: germline.

PreventionGenetics, part of Exact Sciences
Classification: Likely benign for GMNN-related condition. Last evaluated: 2019-07-09. Review status: no assertion criteria provided. Collection method: clinical testing. Allele origin: germline. Not counted in ClinVar's aggregate classification.
Comment: This variant is classified as likely benign based on ACMG/AMP sequence variant interpretation guidelines (Richards et al. 2015 PMID: 25741868, with internal and published modifications).